The following is an entry in ClinVar:

NM_000548.5(TSC2):c.2049_2050delinsTC (p.Val684Leu)

Gene: TSC2 (TSC complex subunit 2; plus strand). Cytogenetic location: 16p13.3.
Variant type: Indel.
Coding change: c.2049_2050delinsTC on transcript NM_000548.5 (MANE Select); coding-DNA positions 2049 to 2050, CG replaced by TC.
Protein change: p.Val684Leu; replaces valine 684 with leucine.
Molecular consequence: missense variant.
Genome position (GRCh38, 1-based): chr16:2,071,886-2,071,887, CG replaced by TC. VCF-style: chr16-2071886-CG-TC. GRCh37 (hg19) VCF-style: chr16-2121887-CG-TC.
Other names: c.2049_2050delinsTC, p.Val684Leu (NM_001077183.3, NM_001114382.3, NM_001363528.2 and 3 more transcripts); c.1938_1939delinsTC, p.Val647Leu (NM_001318827.2); c.1902_1903delinsTC, p.Val635Leu (NM_001318829.2); c.1449_1450delinsTC, p.Val484Leu (NM_001318831.2); c.2082_2083delinsTC, p.Val695Leu (NM_001318832.2); short protein forms V484L, V635L, V647L, V695L, V684L.
Identifiers: ClinVar variation 467919 (VCV000467919.15), dbSNP rs1555506150, ClinGen allele CA658658370.

ClinVar aggregate classification (germline): Conflicting classifications of pathogenicity. Review status: criteria provided, conflicting classifications (1 of 4 stars). 3 submissions from 3 submitters: Uncertain significance (1); Likely benign (2). Last evaluated 2023-03-27.

Conditions:
Tuberous sclerosis 2 (TSC2). Identifiers: Orphanet 805, MedGen C1860707, MONDO:0013199, OMIM 613254.
Hereditary cancer-predisposing syndrome. Also called: Hereditary neoplastic syndrome; Neoplastic Syndromes, Hereditary; Tumor predisposition; Hereditary Cancer Syndrome. Identifiers: Orphanet 140162, MedGen C0027672, MeSH D009386, MONDO:0015356.

Submissions (3):

Labcorp Genetics (formerly Invitae), Labcorp
Classification: Uncertain significance for Tuberous sclerosis 2. Last evaluated: 2023-03-27. Review status: criteria provided, single submitter. Criteria: Invitae Variant Classification Sherloc (09022015). Collection method: clinical testing. Allele origin: germline.
Comment: This sequence change replaces valine, which is neutral and non-polar, with leucine, which is neutral and non-polar, at codon 684 of the TSC2 protein (p.Val684Leu). Information on the frequency of this variant in the gnomAD database is not available, as this variant may be reported differently in the database. This variant has not been reported in the literature in individuals affected with TSC2-related conditions. ClinVar contains an entry for this variant (Variation ID: 467919). Algorithms developed to predict the effect of missense changes on protein structure and function output the following: SIFT: "Not Available"; PolyPhen-2: "Not Available"; Align-GVGD: "Not Available". The leucine amino acid residue is found in multiple mammalian species, which suggests that this missense change does not adversely affect protein function. In summary, the available evidence is currently insufficient to determine the role of this variant in disease. Therefore, it has been classified as a Variant of Uncertain Significance.

Genome-Nilou Lab
Classification: Likely benign for Tuberous sclerosis 2. Last evaluated: 2021-11-07. Review status: criteria provided, single submitter. Criteria: ACMG Guidelines, 2015. Collection method: clinical testing. Allele origin: germline. Affected: no.

Ambry Genetics
Classification: Likely benign for Hereditary cancer-predisposing syndrome. Last evaluated: 2016-12-15. Review status: criteria provided, single submitter. Criteria: Ambry Variant Classification Scheme 2023. Collection method: clinical testing. Allele origin: germline.